The following is an entry in ClinVar:

ClinVar aggregate classification (germline): Benign/Likely benign. Review status: criteria provided, multiple submitters, no conflicts (2 of 4 stars). 3 submissions from 3 submitters: Benign (1); Likely benign (2). Last evaluated 2026-01-06.

Allele frequency attached by ClinVar (database versions not stated): 1000 Genomes Project 30x 0.00016; gnomAD 0.00017; ExAC 0.00018; 1000 Genomes Project 0.00020; ESP Exome Variant Server 0.00023.
gnomAD v4.1: 174 of 1,486,674 alleles (0.012%); highest among the groups gnomAD compares: Non-Finnish European, 0.0068%; no homozygotes.

Submissions (4):

Labcorp Genetics (formerly Invitae), Labcorp
Classification: Benign. Last evaluated: 2026-01-06. Review status: criteria provided, single submitter. Criteria: Invitae Variant Classification Sherloc (09022015). Collection method: clinical testing. Allele origin: germline.

Blueprint Genetics
Classification: Likely benign. Last evaluated: 2024-03-04. Review status: criteria provided, single submitter. Criteria: ACMG Guidelines, 2015. Collection method: clinical testing. Allele origin: germline.

CeGaT Center for Human Genetics Tuebingen
Classification: Likely benign. Last evaluated: 2023-02-01. Review status: criteria provided, single submitter. Criteria: CeGaT Center For Human Genetics Tuebingen Variant Classification Criteria Version 2. Collection method: clinical testing. Allele origin: germline. Affected: yes. Observed: 1 variant allele.
Comment: HPS5: BP4, BP7

Dr. Peter K. Rogan Lab, Western University
No classification provided (evidence only). Condition: Lung cancer. Review status: no classification provided. Collection method: in vitro. Allele origin: not applicable. Functional consequence: skipped exon. Not counted in ClinVar's aggregate classification.

NM_181507.2(HPS5):c.981C>A (p.Val327=)

Gene: HPS5 (HPS5 biogenesis of lysosomal organelles complex 2 subunit 2; minus strand). Cytogenetic location: 11p15.1.
Variant type: single nucleotide variant.
Coding change: c.981C>A on transcript NM_181507.2 (MANE Select); coding-DNA position 981, C replaced by A.
Protein change: p.Val327=; no amino-acid change (valine 327 retained).
Molecular consequence: synonymous variant.
Genome position (GRCh38, 1-based): chr11:18,300,832, G>T on the plus strand (C>A on the coding strand, the complement: HPS5 is on the minus strand). VCF-style: chr11-18300832-G-T. GRCh37 (hg19) VCF-style: chr11-18322379-G-T.
Other names: c.639C>A, p.Val213= (NM_007216.4, NM_181508.2).
Identifiers: ClinVar variation 1603650 (VCV001603650.34), dbSNP rs141140267, ClinGen allele CA5910272.